The following is an entry in ClinVar:

NC_000023.11:g.101837514G>A

Gene: NXF5 (nuclear RNA export factor 5; minus strand). Cytogenetic location: Xq22.1.
Variant type: single nucleotide variant.
Molecular consequence: non-coding transcript variant (on NR_028089.1).
Genome position: GRCh38 VCF-style: chrX-101837514-G-A. GRCh37 (hg19) VCF-style: chrX-101092486-G-A.
Other names: NM_032946.2:c.1060C>T; NM_032946.1:c.1060C>T.
Identifiers: ClinVar variation 711146 (VCV000711146.14), dbSNP rs77411392, ClinGen allele CA10474469.

ClinVar aggregate classification (germline): Benign. Review status: criteria provided, multiple submitters, no conflicts (2 of 4 stars). 4 submissions from 4 submitters: Benign (3). 1 of the submissions does not count toward it. Last evaluated 2026-01-19.

Conditions:
NXF5-related disorder. Also called: NXF5-related condition.

Allele frequency attached by ClinVar (database versions not stated): gnomAD 0.01663 and 0.01559; TOPMed 0.01862; gnomAD exomes 0.00183 and 0.00503; ExAC 0.00606; 1000 Genomes Project 0.01430; 1000 Genomes Project 30x 0.01540; ESP Exome Variant Server 0.01931.

Submissions (4):

Labcorp Genetics (formerly Invitae), Labcorp
Classification: Benign. Last evaluated: 2026-01-19. Review status: criteria provided, single submitter. Criteria: Invitae Variant Classification Sherloc (09022015). Collection method: clinical testing. Allele origin: germline.

GeneDx
Classification: Benign. Last evaluated: 2018-07-05. Review status: criteria provided, single submitter. Criteria: GeneDx Variant Classification Process June 2021. Collection method: clinical testing. Allele origin: germline. Affected: yes.

Breakthrough Genomics
Classification: Benign. Review status: criteria provided, single submitter. Criteria: ACMG Guidelines, 2015. Collection method: not provided. Allele origin: germline. Inheritance: Unknown mechanism. Affected: yes.

PreventionGenetics, part of Exact Sciences
Classification: Benign for NXF5-related condition. Last evaluated: 2023-12-14. Review status: no assertion criteria provided. Collection method: clinical testing. Allele origin: germline. Not counted in ClinVar's aggregate classification.
Comment: This variant is classified as benign based on ACMG/AMP sequence variant interpretation guidelines (Richards et al. 2015 PMID: 25741868, with internal and published modifications).